The following is an entry in ClinVar:

ClinVar aggregate classification (germline): Uncertain significance (1 of 4 stars; one submission).

Conditions:
Nephrolithiasis/nephrocalcinosis. Identifiers: MedGen CN580796.

Submission:

Ambry Genetics
Classification: Uncertain significance for Nephrolithiasis/nephrocalcinosis. Last evaluated: 2022-12-03. Review status: criteria provided, single submitter. Criteria: Ambry Variant Classification Scheme 2023. Collection method: clinical testing. Allele origin: germline.
Comment: The p.V966I variant (also known as c.2896G>A), located in coding exon 6 of the CASR gene, results from a G to A substitution at nucleotide position 2896. The valine at codon 966 is replaced by isoleucine, an amino acid with highly similar properties. This amino acid position is conserved. In addition, the in silico prediction for this alteration is inconclusive. Since supporting evidence is limited at this time, the clinical significance of this alteration remains unclear.

NM_000388.4(CASR):c.2896G>A (p.Val966Ile)

Gene: CASR (calcium sensing receptor; plus strand). Cytogenetic location: 3q21.1.
Variant type: single nucleotide variant.
Coding change: c.2896G>A on transcript NM_000388.4 (MANE Select); coding-DNA position 2896, G replaced by A.
Protein change: p.Val966Ile; replaces valine 966 with isoleucine.
Molecular consequence: missense variant.
Genome position (GRCh38, 1-based): chr3:122,284,850, G>A. VCF-style: chr3-122284850-G-A. GRCh37 (hg19) VCF-style: chr3-122003697-G-A.
Other names: c.2926G>A, p.Val976Ile (NM_001178065.2); short protein forms V976I, V966I.
Identifiers: ClinVar variation 2451449 (VCV002451449.2), dbSNP rs2473282509, ClinGen allele CA354161008.
Genomic context (GRCh38, chr3:122,284,850, plus strand): 5'-CAGCCCCTGACCCTCCCACAGCAGCAACGATCTCAGCAGCAGCCCAGATGCAAGCAGAAG[G>A]TCATCTTTGGCAGCGGCACGGTCACCTTCTCACTGAGCTTTGATGAGCCTCAGAAGAACG-3'
Protein context (NP_000379.3, residues 956-976): SQQQPRCKQK[Val966Ile]IFGSGTVTFS